The following is an entry in ClinVar:

NM_001042492.3(NF1):c.4691_4694dup (p.Ser1566fs)

Gene: NF1 (neurofibromin 1; plus strand). Cytogenetic location: 17q11.2.
Variant type: Duplication.
Coding change: c.4691_4694dup on transcript NM_001042492.3 (MANE Select); coding-DNA positions 4691 to 4694, 4 bases duplicated (TTAC; older notation c.4691_4694dupTTAC).
Protein change: p.Ser1566fs; shifts the reading frame from serine 1566.
Molecular consequence: frameshift variant.
Genome position (GRCh38, 1-based): chr17:31,261,824-31,261,827, TTAC duplicated; duplicating any 4 consecutive bases within chr17:31,261,823-31,261,827 gives the same sequence; the c. name uses the placement nearest the transcript's 3' end. VCF-style (leftmost placement, unchanged base first): chr17-31261822-C-CCTTA. GRCh37 (hg19) VCF-style: chr17-29588840-C-CCTTA.
Other names: c.4628_4631dup, p.Ser1545fs (NM_000267.4); c.4691_4694dupTTAC (NM_001042492.2); short protein forms S1545fs, S1566fs.
Identifiers: ClinVar variation 4998906 (VCV004998906.1).
Genomic context (GRCh38, chr17:31,261,822, plus strand): 5'-TGCATACCTGGGTCCTCCAGAGCACAAACCTGTGGCAGATACACACTGGTCCAGCCTTAA[C>CCTTA]CTTACCAGTTCAAAGTTTGAGGAATTTATGACTAGGTAAAGTACAACCTTGAAATAGTTG-3'

ClinVar aggregate classification (germline): Pathogenic (1 of 4 stars; one submission).

Conditions:
NF1-related disorder. Also called: NF1-related condition. Identifiers: MedGen CN379171.

Submission:

PreventionGenetics, part of Exact Sciences
Classification: Pathogenic for NF1-related condition. Last evaluated: 2025-06-17. Review status: criteria provided, single submitter. Criteria: ACMG Guidelines, 2015. Collection method: clinical testing. Allele origin: germline.
Comment: The NF1 c.4691_4694dupTTAC variant is predicted to result in a frameshift and premature protein termination (p.Ser1566Tyrfs*6). To our knowledge, this variant has not been reported in the literature or in a large population database (gnomAD), indicating this variant is rare. At the time of reporting this variant was not present in ClinVar, but several downstream variants were classified as pathogenic indicating this variant would remove critical regions of the NF1 protein. Frameshift variants in NF1 are expected to result in a loss of NF1 protein function and be pathogenic (Sabbagh et al. 2013. PubMed ID: 23913538). This variant is interpreted as pathogenic.